The following is an entry in ClinVar:

ClinVar aggregate classification (germline): Uncertain significance (1 of 4 stars; one submission).

Allele frequency attached by ClinVar (database versions not stated): gnomAD exomes 0.00001; TOPMed 0.00001; ExAC 0.00002.
gnomAD v4.1: 16 of 1,613,104 alleles (0.00099%); highest among the groups gnomAD compares: Non-Finnish European, 0.0013%; no homozygotes.

Submission:

Labcorp Genetics (formerly Invitae), Labcorp
Classification: Uncertain significance. Last evaluated: 2022-06-13. Review status: criteria provided, single submitter. Criteria: Invitae Variant Classification Sherloc (09022015). Collection method: clinical testing. Allele origin: germline.
Comment: This sequence change replaces valine, which is neutral and non-polar, with leucine, which is neutral and non-polar, at codon 133 of the IFNAR1 protein (p.Val133Leu). This variant is present in population databases (rs759868066, gnomAD 0.003%). This variant has not been reported in the literature in individuals affected with IFNAR1-related conditions. Algorithms developed to predict the effect of missense changes on protein structure and function are either unavailable or do not agree on the potential impact of this missense change (SIFT: "Deleterious"; PolyPhen-2: "Benign"; Align-GVGD: "Class C0"). In summary, the available evidence is currently insufficient to determine the role of this variant in disease. Therefore, it has been classified as a Variant of Uncertain Significance.

NM_000629.3(IFNAR1):c.397G>T (p.Val133Leu)

Gene: IFNAR1 (interferon alpha and beta receptor subunit 1; plus strand). Cytogenetic location: 21q22.11.
Variant type: single nucleotide variant.
Coding change: c.397G>T on transcript NM_000629.3 (MANE Select); coding-DNA position 397, G replaced by T.
Protein change: p.Val133Leu; replaces valine 133 with leucine.
Molecular consequence: missense variant. On other transcripts: 5 prime UTR variant (2).
Genome position (GRCh38, 1-based): chr21:33,343,288, G>T. VCF-style: chr21-33343288-G-T. GRCh37 (hg19) VCF-style: chr21-34715594-G-T.
Other names: c.397G>T, p.Val133Leu (NM_001384498.1, NM_001384499.1, NM_001384501.1 and 1 more transcripts); c.-390G>T (NM_001384500.1); c.-66G>T (NM_001384502.1); c.190G>T, p.Val64Leu (NM_001384504.1); short protein forms V133L, V64L.
Identifiers: ClinVar variation 1485456 (VCV001485456.5), dbSNP rs759868066, ClinGen allele CA10006483.